The following is an entry in ClinVar:

NM_022168.4(IFIH1):c.2808-75G>T

Gene: IFIH1 (interferon induced with helicase C domain 1; minus strand). Cytogenetic location: 2q24.2.
Variant type: single nucleotide variant.
Coding change: c.2808-75G>T on transcript NM_022168.4 (MANE Select); 75 bases into the intron before coding-DNA position 2808, G replaced by T.
Molecular consequence: intron variant.
Genome position (GRCh38, 1-based): chr2:162,267,644, C>A on the plus strand (G>T on the coding strand, the complement: IFIH1 is on the minus strand). VCF-style: chr2-162267644-C-A. GRCh37 (hg19) VCF-style: chr2-163124154-C-A.
Identifiers: ClinVar variation 1301153 (VCV001301153.5), dbSNP rs3761652, ClinGen allele CA11324115.

ClinVar aggregate classification (germline): Benign/Likely benign. Review status: criteria provided, multiple submitters, no conflicts (2 of 4 stars). 3 submissions from 3 submitters: Benign (1); Likely benign (2). Last evaluated 2023-11-12.

Allele frequency attached by ClinVar (database versions not stated): gnomAD exomes 0.03291; gnomAD 0.03297 and 0.03489; TOPMed 0.05293; 1000 Genomes Project 0.07049; 1000 Genomes Project 30x 0.07199.
gnomAD v4.1: 35,652 of 1,073,484 alleles (3.3%); highest among the groups gnomAD compares: Admixed American, 29%; 3,290 homozygotes.

Submissions (3):

Unidad de Genómica Garrahan, Hospital de Pediatría Garrahan
Classification: Benign. Last evaluated: 2023-11-12. Review status: criteria provided, single submitter. Criteria: ACMG Guidelines, 2015. Collection method: clinical testing. Allele origin: germline. Affected: no. Observed: 44 variant alleles.
Comment: This variant is classified as Benign based on local population frequency. This variant was detected in 46% of patients studied by a panel of primary immunodeficiencies. Number of patients: 44. Only high quality variants are reported.

GeneDx
Classification: Likely benign. Last evaluated: 2021-04-03. Review status: criteria provided, single submitter. Criteria: GeneDx Variant Classification Process June 2021. Collection method: clinical testing. Allele origin: germline. Affected: yes.

Breakthrough Genomics
Classification: Likely benign. Review status: criteria provided, single submitter. Criteria: ACMG Guidelines, 2015. Collection method: not provided. Allele origin: germline. Inheritance: Autosomal recessive inheritance. Affected: yes.